The following is an entry in ClinVar:

NM_013266.4(CTNNA3):c.2599A>T (p.Thr867Ser)

Gene: CTNNA3 (catenin alpha 3; minus strand). Cytogenetic location: 10q21.3.
Variant type: single nucleotide variant.
Coding change: c.2599A>T on transcript NM_013266.4 (MANE Select); coding-DNA position 2599, A replaced by T.
Protein change: p.Thr867Ser; replaces threonine 867 with serine.
Molecular consequence: missense variant.
Genome position (GRCh38, 1-based): chr10:65,920,419, T>A on the plus strand (A>T on the coding strand, the complement: CTNNA3 is on the minus strand). VCF-style: chr10-65920419-T-A. GRCh37 (hg19) VCF-style: chr10-67680177-T-A.
Other names: c.2599A>T, p.Thr867Ser (NM_001127384.3); short protein forms T867S.
Identifiers: ClinVar variation 3270118 (VCV003270118.2).

ClinVar aggregate classification (germline): Uncertain significance. Review status: criteria provided, multiple submitters, no conflicts (2 of 4 stars). 2 submissions from 2 submitters: Uncertain significance (2). Last evaluated 2026-01-01.

Conditions:
Arrhythmogenic right ventricular dysplasia 13. Also called: Arrhythmogenic right ventricular dysplasia, familial, 13; ARRHYTHMOGENIC RIGHT VENTRICULAR CARDIOMYOPATHY 13. Identifiers: MedGen C3810138, MONDO:0000908, OMIM 615616.

gnomAD v4.1: 3 of 1,614,174 alleles (0.00019%); highest among the groups gnomAD compares: South Asian, 0.0011%; no homozygotes.

Submissions (2):

Labcorp Genetics (formerly Invitae), Labcorp
Classification: Uncertain significance for Arrhythmogenic right ventricular dysplasia 13. Last evaluated: 2026-01-01. Review status: criteria provided, single submitter. Criteria: Invitae Variant Classification Sherloc (09022015). Collection method: clinical testing. Allele origin: germline.
Comment: This sequence change replaces threonine, which is neutral and polar, with serine, which is neutral and polar, at codon 867 of the CTNNA3 protein (p.Thr867Ser). This variant is present in population databases (no rsID available, gnomAD 0.0009%). This variant has not been reported in the literature in individuals affected with CTNNA3-related conditions. ClinVar contains an entry for this variant (Variation ID: 3270118). Invitae Evidence Modeling of protein sequence and biophysical properties (such as structural, functional, and spatial information, amino acid conservation, physicochemical variation, residue mobility, and thermodynamic stability) indicates that this missense variant is not expected to disrupt CTNNA3 protein function with a negative predictive value of 80%. In summary, the available evidence is currently insufficient to determine the role of this variant in disease. Therefore, it has been classified as a Variant of Uncertain Significance.

Ambry Genetics
Classification: Uncertain significance. Last evaluated: 2024-03-20. Review status: criteria provided, single submitter. Criteria: Ambry Variant Classification Scheme 2023. Collection method: clinical testing. Allele origin: germline.
Comment: The p.T867S variant (also known as c.2599A>T), located in coding exon 17 of the CTNNA3 gene, results from an A to T substitution at nucleotide position 2599. The threonine at codon 867 is replaced by serine, an amino acid with similar properties. This amino acid position is conserved. In addition, this alteration is predicted to be tolerated by in silico analysis. Based on the available evidence, the clinical significance of this alteration remains unclear.